The following is an entry in ClinVar:

ClinVar aggregate classification (germline): Uncertain significance. Review status: criteria provided, multiple submitters, no conflicts (2 of 4 stars). 2 submissions from 2 submitters: Uncertain significance (2). Last evaluated 2022-11-30.

Allele frequency attached by ClinVar (database versions not stated): gnomAD exomes 0.00001 and 0.00003; TOPMed 0.00001; ExAC 0.00002; gnomAD 0.00003.
gnomAD v4.1: 50 of 1,607,726 alleles (0.0031%); highest among the groups gnomAD compares: Non-Finnish European, 0.0041%; no homozygotes.

Submissions (2):

Labcorp Genetics (formerly Invitae), Labcorp
Classification: Uncertain significance. Last evaluated: 2022-11-30. Review status: criteria provided, single submitter. Criteria: Invitae Variant Classification Sherloc (09022015). Collection method: clinical testing. Allele origin: germline.
Comment: This sequence change replaces leucine, which is neutral and non-polar, with valine, which is neutral and non-polar, at codon 654 of the PROM1 protein (p.Leu654Val). In summary, the available evidence is currently insufficient to determine the role of this variant in disease. Therefore, it has been classified as a Variant of Uncertain Significance. Advanced modeling of protein sequence and biophysical properties (such as structural, functional, and spatial information, amino acid conservation, physicochemical variation, residue mobility, and thermodynamic stability) performed at Invitae indicates that this missense variant is not expected to disrupt PROM1 protein function. ClinVar contains an entry for this variant (Variation ID: 1041745). This missense change has been observed in individual(s) with macular atrophy (PMID: 27571428). This variant is present in population databases (rs775428045, gnomAD 0.002%).

Blueprint Genetics
Classification: Uncertain significance. Last evaluated: 2019-05-27. Review status: criteria provided, single submitter. Criteria: ACMG Guidelines, 2015. Collection method: clinical testing. Allele origin: germline.

Literature cited by the submitters: PubMed 27571428 (cited by Labcorp Genetics (formerly Invitae), Labcorp).

NM_006017.3(PROM1):c.1960C>G (p.Leu654Val)

Gene: PROM1 (prominin 1; minus strand). Cytogenetic location: 4p15.32.
Variant type: single nucleotide variant.
Coding change: c.1960C>G on transcript NM_006017.3 (MANE Select); coding-DNA position 1960, C replaced by G.
Protein change: p.Leu654Val; replaces leucine 654 with valine.
Molecular consequence: missense variant.
Genome position (GRCh38, 1-based): chr4:15,991,245, G>C on the plus strand (C>G on the coding strand, the complement: PROM1 is on the minus strand). VCF-style: chr4-15991245-G-C. GRCh37 (hg19) VCF-style: chr4-15992868-G-C.
Other names: c.1933C>G, p.Leu645Val (NM_001145847.2, NM_001145848.2, NM_001145851.2 and 4 more transcripts); c.1960C>G, p.Leu654Val (NM_001145849.2, NM_001145850.2); short protein forms L645V, L654V.
Identifiers: ClinVar variation 1041745 (VCV001041745.9), dbSNP rs775428045, ClinGen allele CA2866573.